The following is an entry in ClinVar:

NM_001145026.2(PTPRQ):c.2703T>C (p.Ile901=)

Gene: PTPRQ (protein tyrosine phosphatase receptor type Q; plus strand). Cytogenetic location: 12q21.31.
Variant type: single nucleotide variant.
Coding change: c.2703T>C on transcript NM_001145026.2 (MANE Select); coding-DNA position 2703, T replaced by C.
Protein change: p.Ile901=; no amino-acid change (isoleucine 901 retained).
Molecular consequence: synonymous variant.
Genome position (GRCh38, 1-based): chr12:80,534,039, T>C. VCF-style: chr12-80534039-T-C. GRCh37 (hg19) VCF-style: chr12-80927818-T-C.
Identifiers: ClinVar variation 1205627 (VCV001205627.35), dbSNP rs117654491, ClinGen allele CA6702573.

ClinVar aggregate classification (germline): Likely benign. Review status: criteria provided, multiple submitters, no conflicts (2 of 4 stars). 3 submissions from 3 submitters: Likely benign (3). Last evaluated 2025-04-01.

Allele frequency attached by ClinVar (database versions not stated): ExAC 0.00026; gnomAD exomes 0.00028 and 0.00053; gnomAD 0.00034 and 0.00035; TOPMed 0.00039; 1000 Genomes Project 30x 0.00047.
gnomAD v4.1: 773 of 1,522,368 alleles (0.051%); highest among the groups gnomAD compares: Non-Finnish European, 0.062%; 1 homozygote.

Submissions (3):

CeGaT Center for Human Genetics Tuebingen
Classification: Likely benign. Last evaluated: 2025-04-01. Review status: criteria provided, single submitter. Criteria: CeGaT Center For Human Genetics Tuebingen Variant Classification Criteria Version 2. Collection method: clinical testing. Allele origin: germline. Affected: yes. Observed: 2 variant alleles.
Comment: PTPRQ: BP4, BP7

Blueprint Genetics
Classification: Likely benign. Last evaluated: 2024-09-06. Review status: criteria provided, single submitter. Criteria: ACMG Guidelines, 2015. Collection method: clinical testing. Allele origin: germline.

GeneDx
Classification: Likely benign. Last evaluated: 2020-08-26. Review status: criteria provided, single submitter. Criteria: GeneDx Variant Classification Process June 2021. Collection method: clinical testing. Allele origin: germline. Affected: yes.